The following is an entry in ClinVar:

NM_001378454.1(ALMS1):c.2570C>T (p.Ser857Phe)

Gene: ALMS1 (ALMS1 centrosome and basal body associated protein; plus strand). Cytogenetic location: 2p13.1.
Variant type: single nucleotide variant.
Coding change: c.2570C>T on transcript NM_001378454.1 (MANE Select); coding-DNA position 2570, C replaced by T.
Protein change: p.Ser857Phe; replaces serine 857 with phenylalanine.
Molecular consequence: missense variant.
Genome position (GRCh38, 1-based): chr2:73,449,097, C>T. VCF-style: chr2-73449097-C-T. GRCh37 (hg19) VCF-style: chr2-73676224-C-T.
Other names: c.2573C>T, p.Ser858Phe (NM_015120.4); short protein forms S858F, S857F.
Identifiers: ClinVar variation 1521199 (VCV001521199.9), dbSNP rs538743256, ClinGen allele CA1713379.

ClinVar aggregate classification (germline): Conflicting classifications of pathogenicity. Review status: criteria provided, conflicting classifications (1 of 4 stars). 5 submissions from 5 submitters: Uncertain significance (3); Likely benign (1). 1 of the submissions does not count toward it. Last evaluated 2025-06-18.

Conditions:
Cardiovascular phenotype. Identifiers: MedGen CN230736.
Alstrom syndrome (ALMS). Identifiers: Orphanet 64, MedGen C0268425, MONDO:0008763, OMIM 203800.
ALMS1-related disorder. Also called: ALMS1-related condition.

Allele frequency attached by ClinVar (database versions not stated): gnomAD exomes below 0.00001 and 0.00002; ExAC 0.00001; gnomAD 0.00006; TOPMed 0.00007; 1000 Genomes Project 0.00020; 1000 Genomes Project 30x 0.00031.
gnomAD v4.1: 17 of 1,614,106 alleles (0.0011%); highest among the groups gnomAD compares: African/African-American, 0.019%; no homozygotes.

Submissions (5):

Ambry Genetics
Classification: Likely benign for Cardiovascular phenotype. Last evaluated: 2025-06-18. Review status: criteria provided, single submitter. Criteria: Ambry Variant Classification Scheme 2023. Collection method: clinical testing. Allele origin: germline.

Labcorp Genetics (formerly Invitae), Labcorp
Classification: Uncertain significance for Alstrom syndrome. Last evaluated: 2022-07-26. Review status: criteria provided, single submitter. Criteria: Invitae Variant Classification Sherloc (09022015). Collection method: clinical testing. Allele origin: germline.
Comment: This sequence change replaces serine, which is neutral and polar, with phenylalanine, which is neutral and non-polar, at codon 858 of the ALMS1 protein (p.Ser858Phe). This variant is present in population databases (rs538743256, gnomAD 0.04%). This variant has not been reported in the literature in individuals affected with ALMS1-related conditions. ClinVar contains an entry for this variant (Variation ID: 1521199). Experimental studies and prediction algorithms are not available or were not evaluated, and the functional significance of this variant is currently unknown. In summary, the available evidence is currently insufficient to determine the role of this variant in disease. Therefore, it has been classified as a Variant of Uncertain Significance.

Women's Health and Genetics/Laboratory Corporation of America, LabCorp
Classification: Uncertain significance. Last evaluated: 2022-05-13. Review status: criteria provided, single submitter. Criteria: LabCorp Variant Classification Summary - May 2015. Collection method: clinical testing. Allele origin: germline.
Comment: Variant summary: ALMS1 c.2567C>T/p.Ser856Phe (also known as c.2573C>T/p.Ser858Phe in RefSeq) results in a non-conservative amino acid change in the encoded protein sequence. Three of five in-silico tools predict a benign effect of the variant on protein function. The variant allele was found at a frequency of 1.6e-05 in 248976 control chromosomes. The available data on variant occurrences in the general population are insufficient to allow any conclusion about variant significance. To our knowledge, no occurrence of c.2567C>T in individuals affected with Alstrom Syndrome and no experimental evidence demonstrating its impact on protein function have been reported. One clinical diagnostic laboratory has submitted clinical-significance assessments for this variant to ClinVar after 2014 without evidence for independent evaluation and classified the variant as uncertain significance. Based on the evidence outlined above, the variant was classified as uncertain significance.

Fulgent Genetics
Classification: Uncertain significance for Alstrom syndrome. Last evaluated: 2021-12-07. Review status: criteria provided, single submitter. Criteria: ACMG Guidelines, 2015. Collection method: clinical testing. Allele origin: unknown.

PreventionGenetics, part of Exact Sciences
Classification: Uncertain significance for ALMS1-related condition. Last evaluated: 2024-05-09. Review status: no assertion criteria provided. Collection method: clinical testing. Allele origin: germline. Not counted in ClinVar's aggregate classification.
Comment: The ALMS1 c.2573C>T variant is predicted to result in the amino acid substitution p.Ala858Val. To our knowledge, this variant has not been reported in the literature. This variant is reported in 0.0041% of alleles in individuals of African descent in gnomAD. At this time, the clinical significance of this variant is uncertain due to the absence of conclusive functional and genetic evidence.